The following is an entry in ClinVar:

ClinVar aggregate classification (germline): Uncertain significance (1 of 4 stars; one submission).

Conditions:
Succinate-semialdehyde dehydrogenase deficiency (SSADHD). Also called: GABA METABOLIC DEFECT; Succinic Semialdehyde Dehydrogenase Deficiency; SSADH DEFICIENCY; 4-HYDROXYBUTYRIC ACIDURIA. Identifiers: Orphanet 22, MedGen C0268631, MONDO:0010083, OMIM 271980.

gnomAD v4.1: 1 of 1,320,528 alleles (0.000076%); highest among the groups gnomAD compares: African/African-American, 0.0015%; no homozygotes.

Submission:

Labcorp Genetics (formerly Invitae), Labcorp
Classification: Uncertain significance for Succinate-semialdehyde dehydrogenase deficiency. Last evaluated: 2021-06-03. Review status: criteria provided, single submitter. Criteria: Invitae Variant Classification Sherloc (09022015). Collection method: clinical testing. Allele origin: germline.
Comment: Advanced modeling of protein sequence and biophysical properties (such as structural, functional, and spatial information, amino acid conservation, physicochemical variation, residue mobility, and thermodynamic stability) performed at Invitae indicates that this missense variant is not expected to disrupt ALDH5A1 protein function. In summary, the available evidence is currently insufficient to determine the role of this variant in disease. Therefore, it has been classified as a Variant of Uncertain Significance. This variant has not been reported in the literature in individuals with ALDH5A1-related conditions. This sequence change replaces glycine with cysteine at codon 30 of the ALDH5A1 protein (p.Gly30Cys). The glycine residue is weakly conserved and there is a large physicochemical difference between glycine and cysteine. The frequency data for this variant in the population databases is considered unreliable, as metrics indicate insufficient coverage at this position in the ExAC database.

NM_001080.3(ALDH5A1):c.88G>T (p.Gly30Cys)

Genes: ALDH5A1 (aldehyde dehydrogenase 5 family member A1; plus strand), GPLD1 (glycosylphosphatidylinositol specific phospholipase D1; minus strand), LOC129995978 (ATAC-STARR-seq lymphoblastoid silent region 16989; plus strand). Cytogenetic location: 6p22.3.
Variant type: single nucleotide variant.
Coding change: c.88G>T on transcript NM_001080.3 (MANE Select); coding-DNA position 88, G replaced by T.
Protein change: p.Gly30Cys; replaces glycine 30 with cysteine.
Molecular consequence: missense variant.
Genome position (GRCh38, 1-based): chr6:24,495,084, G>T. VCF-style: chr6-24495084-G-T. GRCh37 (hg19) VCF-style: chr6-24495312-G-T.
Other names: c.88G>T, p.Gly30Cys (NM_001368954.1, NM_170740.1); short protein forms G30C.
Identifiers: ClinVar variation 1518832 (VCV001518832.8), dbSNP rs1171926592, ClinGen allele CA362968206.